The following is an entry in ClinVar:

ClinVar aggregate classification (germline): Uncertain significance (1 of 4 stars; one submission).

Conditions:
Immunodeficiency 104. Also called: Severe combined immunodeficiency, autosomal recessive, T cell-negative, B cell-positive, NK cell-positive; IMMUNODEFICIENCY 104, SEVERE COMBINED; SCID, AUTOSOMAL RECESSIVE, T CELL-NEGATIVE, B CELL-POSITIVE, NK CELL-POSITIVE; Severe Combined Immune Deficiency, Autosomal Recessive, TCell -Negative, B Cell-Positive, NK Cell-Positive, IL7R-Related. Identifiers: MedGen C5676890, MONDO:0012163, OMIM 608971.

Allele frequency attached by ClinVar (database versions not stated): gnomAD 0.00001; TOPMed 0.00004; ExAC 0.00006; gnomAD exomes 0.00006.
gnomAD v4.1: 44 of 1,612,178 alleles (0.0027%); highest among the groups gnomAD compares: East Asian, 0.065%; no homozygotes.

Submission:

Labcorp Genetics (formerly Invitae), Labcorp
Classification: Uncertain significance for Immunodeficiency 104. Last evaluated: 2024-04-16. Review status: criteria provided, single submitter. Criteria: Invitae Variant Classification Sherloc (09022015). Collection method: clinical testing. Allele origin: germline.
Comment: This sequence change replaces alanine, which is neutral and non-polar, with threonine, which is neutral and polar, at codon 381 of the PTPRC protein (p.Ala381Thr). This variant is present in population databases (rs776036789, gnomAD 0.06%). This variant has not been reported in the literature in individuals affected with PTPRC-related conditions. ClinVar contains an entry for this variant (Variation ID: 953265). Algorithms developed to predict the effect of missense changes on protein structure and function output the following: SIFT: "Not Available"; PolyPhen-2: "Benign"; Align-GVGD: "Not Available". The threonine amino acid residue is found in multiple mammalian species, which suggests that this missense change does not adversely affect protein function. In summary, the available evidence is currently insufficient to determine the role of this variant in disease. Therefore, it has been classified as a Variant of Uncertain Significance.

NM_002838.5(PTPRC):c.1141G>A (p.Ala381Thr)

Gene: PTPRC (protein tyrosine phosphatase receptor type C; plus strand). Cytogenetic location: 1q32.1.
Variant type: single nucleotide variant.
Coding change: c.1141G>A on transcript NM_002838.5 (MANE Select); coding-DNA position 1141, G replaced by A.
Protein change: p.Ala381Thr; replaces alanine 381 with threonine.
Molecular consequence: missense variant.
Genome position (GRCh38, 1-based): chr1:198,709,794, G>A. VCF-style: chr1-198709794-G-A. GRCh37 (hg19) VCF-style: chr1-198678923-G-A.
Other names: c.658G>A, p.Ala220Thr (NM_080921.4); short protein forms A220T, A381T.
Identifiers: ClinVar variation 953265 (VCV000953265.6), dbSNP rs776036789, ClinGen allele CA1314709.